The following is an entry in ClinVar:

NM_003907.3(EIF2B5):c.2106+4C>T

Gene: EIF2B5 (eukaryotic translation initiation factor 2B subunit epsilon; plus strand). Cytogenetic location: 3q27.1.
Variant type: single nucleotide variant.
Coding change: c.2106+4C>T on transcript NM_003907.3 (MANE Select); 4 bases into the intron after coding-DNA position 2106, C replaced by T.
Molecular consequence: intron variant.
Genome position (GRCh38, 1-based): chr3:184,144,711, C>T. VCF-style: chr3-184144711-C-T. GRCh37 (hg19) VCF-style: chr3-183862499-C-T.
Identifiers: ClinVar variation 1481758 (VCV001481758.5), dbSNP rs772606942, ClinGen allele CA2726890.

ClinVar aggregate classification (germline): Uncertain significance (1 of 4 stars; one submission).

Allele frequency attached by ClinVar (database versions not stated): TOPMed below 0.00001; gnomAD 0.00001; gnomAD exomes 0.00001; ExAC 0.00002.
gnomAD v4.1: 14 of 1,612,308 alleles (0.00087%); highest among the groups gnomAD compares: East Asian, 0.0022%; no homozygotes.

Submission:

Labcorp Genetics (formerly Invitae), Labcorp
Classification: Uncertain significance. Last evaluated: 2021-08-27. Review status: criteria provided, single submitter. Criteria: Invitae Variant Classification Sherloc (09022015). Collection method: clinical testing. Allele origin: germline.
Comment: This sequence change falls in intron 15 of the EIF2B5 gene. It does not directly change the encoded amino acid sequence of the EIF2B5 protein. It affects a nucleotide within the consensus splice site of the intron. This variant is present in population databases (rs772606942, ExAC 0.01%). This variant has not been reported in the literature in individuals affected with EIF2B5-related conditions. Variants that disrupt the consensus splice site are a relatively common cause of aberrant splicing (PMID: 17576681, 9536098). Algorithms developed to predict the effect of sequence changes on RNA splicing suggest that this variant may disrupt the consensus splice site. In summary, the available evidence is currently insufficient to determine the role of this variant in disease. Therefore, it has been classified as a Variant of Uncertain Significance.

Literature cited by the submitters: PubMed 17576681; PubMed 9536098.